The following is an entry in ClinVar:

NM_080680.3(COL11A2):c.634C>T (p.Pro212Ser)

Gene: COL11A2 (collagen type XI alpha 2 chain; minus strand). Cytogenetic location: 6p21.32.
Variant type: single nucleotide variant.
Coding change: c.634C>T on transcript NM_080680.3 (MANE Select); coding-DNA position 634, C replaced by T.
Protein change: p.Pro212Ser; replaces proline 212 with serine.
Molecular consequence: missense variant. On other transcripts: 5 prime UTR variant (3), non-coding transcript variant (1).
Genome position (GRCh38, 1-based): chr6:33,186,791, G>A on the plus strand (C>T on the coding strand, the complement: COL11A2 is on the minus strand). VCF-style: chr6-33186791-G-A. GRCh37 (hg19) VCF-style: chr6-33154568-G-A.
Other names: c.634C>T, p.Pro212Ser (NM_001163771.2, NM_001424108.1, NM_080679.3 and 1 more transcripts); c.-213C>T (NM_001424109.1, NM_001424110.1, NM_001424111.1); short protein forms P212S.
Identifiers: ClinVar variation 3635265 (VCV003635265.2).

ClinVar aggregate classification (germline): Uncertain significance (1 of 4 stars; one submission).

Submission:

Labcorp Genetics (formerly Invitae), Labcorp
Classification: Uncertain significance. Last evaluated: 2024-07-24. Review status: criteria provided, single submitter. Criteria: Invitae Variant Classification Sherloc (09022015). Collection method: clinical testing. Allele origin: germline.
Comment: This sequence change replaces proline, which is neutral and non-polar, with serine, which is neutral and polar, at codon 212 of the COL11A2 protein (p.Pro212Ser). This variant is not present in population databases (gnomAD no frequency). This variant has not been reported in the literature in individuals affected with COL11A2-related conditions. Advanced modeling of protein sequence and biophysical properties (such as structural, functional, and spatial information, amino acid conservation, physicochemical variation, residue mobility, and thermodynamic stability) performed at Invitae indicates that this missense variant is not expected to disrupt COL11A2 protein function with a negative predictive value of 95%. In summary, the available evidence is currently insufficient to determine the role of this variant in disease. Therefore, it has been classified as a Variant of Uncertain Significance.